The following is an entry in ClinVar:

NM_001098816.3(TENM4):c.4926G>A (p.Leu1642=)

Gene: TENM4 (teneurin transmembrane protein 4; minus strand). Cytogenetic location: 11q14.1.
Variant type: single nucleotide variant.
Coding change: c.4926G>A on transcript NM_001098816.3 (MANE Select); coding-DNA position 4926, G replaced by A.
Protein change: p.Leu1642=; no amino-acid change (leucine 1642 retained).
Molecular consequence: synonymous variant.
Genome position (GRCh38, 1-based): chr11:78,701,687, C>T on the plus strand (G>A on the coding strand, the complement: TENM4 is on the minus strand). VCF-style: chr11-78701687-C-T. GRCh37 (hg19) VCF-style: chr11-78412732-C-T.
Identifiers: ClinVar variation 3039735 (VCV003039735.2), dbSNP rs138817202, ClinGen allele CA6206732.

ClinVar aggregate classification (germline): Benign (0 of 4 stars; one submission).

Conditions:
TENM4-related disorder. Also called: TENM4-related condition.

Allele frequency attached by ClinVar (database versions not stated): gnomAD exomes 0.00024; ExAC 0.00077; gnomAD 0.00231; ESP Exome Variant Server 0.00251; TOPMed 0.00273; 1000 Genomes Project 30x 0.00390; 1000 Genomes Project 0.00399.
gnomAD v4.1: 713 of 1,613,950 alleles (0.044%); highest among the groups gnomAD compares: African/African-American, 0.87%; no homozygotes.

Submission:

PreventionGenetics, part of Exact Sciences
Classification: Benign for TENM4-related condition. Last evaluated: 2019-03-19. Review status: no assertion criteria provided. Collection method: clinical testing. Allele origin: germline.
Comment: This variant is classified as benign based on ACMG/AMP sequence variant interpretation guidelines (Richards et al. 2015 PMID: 25741868, with internal and published modifications).